The following is an entry in ClinVar:

ClinVar aggregate classification (germline): Pathogenic (1 of 4 stars; one submission).

Conditions:
USH2A-related disorder. Also called: USH2A-related condition; USH2A-related disorders. Identifiers: MedGen CN239332.

Submission:

Myriad Genetics, Inc.
Classification: Pathogenic for USH2A-related disorder. Last evaluated: 2024-05-11. Review status: criteria provided, single submitter. Criteria: Myriad Autosomal Dominant, Autosomal Recessive and X-Linked Classification Criteria (2023). Collection method: clinical testing. Allele origin: unknown.
Comment: NM_206933.2(USH2A):c.5550T>G(Y1850*) is expected to be pathogenic in the context of USH2A-related disorders. This variant is predicted to lead to an abnormal or absent protein product due to the creation of a premature termination codon in USH2A, a gene where loss-of-function variants are known to be pathogenic. Please note: this variant was assessed in the context of healthy population screening.

NM_206933.4(USH2A):c.5550T>G (p.Tyr1850Ter)

Genes: USH2A (usherin; minus strand), USH2A-AS2 (USH2A antisense RNA 2; plus strand). Cytogenetic location: 1q41.
Variant type: single nucleotide variant.
Coding change: c.5550T>G on transcript NM_206933.4 (MANE Select); coding-DNA position 5550, T replaced by G.
Protein change: p.Tyr1850Ter; replaces tyrosine 1850 with a stop codon.
Molecular consequence: nonsense.
Genome position (GRCh38, 1-based): chr1:216,078,111, A>C on the plus strand (T>G on the coding strand, the complement: USH2A is on the minus strand). VCF-style: chr1-216078111-A-C. GRCh37 (hg19) VCF-style: chr1-216251453-A-C.
Other names: short protein forms Y1850*.
Identifiers: ClinVar variation 5013034 (VCV005013034.1).